The following is an entry in ClinVar:

NM_001205293.3(CACNA1E):c.5872G>A (p.Gly1958Arg)

Gene: CACNA1E (calcium voltage-gated channel subunit alpha1 E; plus strand). Cytogenetic location: 1q25.3.
Variant type: single nucleotide variant.
Coding change: c.5872G>A on transcript NM_001205293.3 (MANE Select); coding-DNA position 5872, G replaced by A.
Protein change: p.Gly1958Arg; replaces glycine 1958 with arginine.
Molecular consequence: missense variant.
Genome position (GRCh38, 1-based): chr1:181,790,530, G>A. VCF-style: chr1-181790530-G-A. GRCh37 (hg19) VCF-style: chr1-181759666-G-A.
Other names: c.5872G>A, p.Gly1958Arg (NM_000721.4); c.5815G>A, p.Gly1939Arg (NM_001205294.2); c.5872G>A (NM_000721.3); short protein forms G1958R, G1939R.
Identifiers: ClinVar variation 1387406 (VCV001387406.7), dbSNP rs376329789, ClinGen allele CA1276228.

ClinVar aggregate classification (germline): Benign. Review status: criteria provided, single submitter (1 of 4 stars). 2 submissions from 2 submitters: Benign (1). 1 of the submissions does not count toward it. Last evaluated 2025-10-01.

Conditions:
CACNA1E-related disorder. Also called: CACNA1E-related condition.

Allele frequency attached by ClinVar (database versions not stated): gnomAD exomes 0.00002 and 0.00005; gnomAD 0.00003; ExAC 0.00004; TOPMed 0.00005; ESP Exome Variant Server 0.00008; 1000 Genomes Project 30x 0.00016; 1000 Genomes Project 0.00020.
gnomAD v4.1: 28 of 1,610,582 alleles (0.0017%); highest among the groups gnomAD compares: Middle Eastern, 0.016%; no homozygotes.

Submissions (2):

Labcorp Genetics (formerly Invitae), Labcorp
Classification: Benign. Last evaluated: 2025-10-01. Review status: criteria provided, single submitter. Criteria: Invitae Variant Classification Sherloc (09022015). Collection method: clinical testing. Allele origin: germline.

PreventionGenetics, part of Exact Sciences
Classification: Likely benign for CACNA1E-related condition. Last evaluated: 2024-08-15. Review status: no assertion criteria provided. Collection method: clinical testing. Allele origin: germline. Not counted in ClinVar's aggregate classification.
Comment: This variant is classified as likely benign based on ACMG/AMP sequence variant interpretation guidelines (Richards et al. 2015 PMID: 25741868, with internal and published modifications).